The following is an entry in ClinVar:

NM_001277115.2(DNAH11):c.3040C>T (p.Gln1014Ter)

Genes: DNAH11 (dynein axonemal heavy chain 11; plus strand), LOC126859961 (BRD4-independent group 4 enhancer GRCh37_chr7:21639662-21640861; plus strand). Cytogenetic location: 7p15.3.
Variant type: single nucleotide variant.
Coding change: c.3040C>T on transcript NM_001277115.2 (MANE Select); coding-DNA position 3040, C replaced by T.
Protein change: p.Gln1014Ter; replaces glutamine 1014 with a stop codon.
Molecular consequence: nonsense.
Genome position (GRCh38, 1-based): chr7:21,600,715, C>T. VCF-style: chr7-21600715-C-T. GRCh37 (hg19) VCF-style: chr7-21640333-C-T.
Other names: c.3040C>T, p.Gln1014Ter (NM_003777.3); short protein forms Q1014*.
Identifiers: ClinVar variation 2500287 (VCV002500287.1), dbSNP rs375314297, ClinGen allele CA366944975.
Genomic context (GRCh38, chr7:21,600,715, plus strand): 5'-CTGTGTTTTCCTCTCATTTAGAATGATATGGATAACATGTTAGGCCTGGCAGAGGTCAGG[C>T]AGGAGATCATGAACAGAGTGGTGAATGTCATCAACAAAGTCTTAGATTTCAGAAACACCC-3'

ClinVar aggregate classification (germline): Pathogenic (1 of 4 stars; one submission).

Conditions:
Primary ciliary dyskinesia 7. Also called: CILIARY DYSKINESIA, PRIMARY, 7, WITH OR WITHOUT SITUS INVERSUS. Identifiers: Orphanet 244, MedGen C2678473, MONDO:0012748, OMIM 611884.

Submission:

Equipe Genetique des Anomalies du Developpement, Université de Bourgogne
Classification: Pathogenic for Primary ciliary dyskinesia 7. Last evaluated: 2023-03-23. Review status: criteria provided, single submitter. Criteria: ACMG Guidelines, 2015. Collection method: clinical testing. Allele origin: paternal. Inheritance: Autosomal recessive inheritance. Affected: yes.
Comment: This variant was observed in heterozygosity with variant c.3595del